The following is an entry in ClinVar:

NM_001161352.2(KCNMA1):c.78T>A (p.Ser26Arg)

Gene: KCNMA1 (potassium calcium-activated channel subfamily M alpha 1; minus strand). Cytogenetic location: 10q22.3.
Variant type: single nucleotide variant.
Coding change: c.78T>A on transcript NM_001161352.2 (MANE Select); coding-DNA position 78, T replaced by A.
Protein change: p.Ser26Arg; replaces serine 26 with arginine.
Molecular consequence: missense variant.
Genome position (GRCh38, 1-based): chr10:77,637,565, A>T on the plus strand (T>A on the coding strand, the complement: KCNMA1 is on the minus strand). VCF-style: chr10-77637565-A-T. GRCh37 (hg19) VCF-style: chr10-79397323-A-T.
Other names: c.78T>A, p.Ser26Arg (NM_001014797.3, NM_001161353.2, NM_001271518.2 and 15 more transcripts); short protein forms S26R.
Identifiers: ClinVar variation 4993809 (VCV004993809.1).

ClinVar aggregate classification (germline): Uncertain significance (1 of 4 stars; one submission).

Conditions:
KCNMA1-related disorder. Also called: KCNMA1-related disorders; KCNMA1-related condition.

Submission:

PreventionGenetics, part of Exact Sciences
Classification: Uncertain significance for KCNMA1-related condition. Last evaluated: 2026-08-09. Review status: criteria provided, single submitter. Criteria: ACMG Guidelines, 2015. Collection method: clinical testing. Allele origin: germline.
Comment: The KCNMA1 c.78T>A variant is predicted to result in the amino acid substitution p.Ser26Arg. To our knowledge, this variant has not been reported in the literature or in a large population database (gnomAD), indicating this variant is rare. At this time, the clinical significance of this variant is uncertain due to the absence of conclusive functional and genetic evidence.